The following is an entry in ClinVar:

NM_025114.4(CEP290):c.4672A>G (p.Lys1558Glu)

Gene: CEP290 (centrosomal protein 290; minus strand). Cytogenetic location: 12q21.32.
Variant type: single nucleotide variant.
Coding change: c.4672A>G on transcript NM_025114.4 (MANE Select); coding-DNA position 4672, A replaced by G.
Protein change: p.Lys1558Glu; replaces lysine 1558 with glutamic acid.
Molecular consequence: missense variant.
Genome position (GRCh38, 1-based): chr12:88,084,618, T>C on the plus strand (A>G on the coding strand, the complement: CEP290 is on the minus strand). VCF-style: chr12-88084618-T-C. GRCh37 (hg19) VCF-style: chr12-88478395-T-C.
Other names: short protein forms K1558E.
Identifiers: ClinVar variation 3758426 (VCV003758426.2).
Genomic context (GRCh38, chr12:88,084,618, plus strand): 5'-CAGCATAACTCATAATATAATAAAATACCTCTCTGGCTTTTTCTAGAAGACGTTGATACT[T>C]CTTTAATACTTCTTCTTTTTGATTTAACCTTGCTTGCATGTTTGCAATGGTTTGATGAGC-3'
Protein context (NP_079390.3, residues 1548-1568): RLNQKEEVLK[Lys1558Glu]YQRLLEKARE

ClinVar aggregate classification (germline): Uncertain significance (1 of 4 stars; one submission).

Conditions:
Joubert syndrome. Also called: CEREBELLOPARENCHYMAL DISORDER IV; JOUBERT-BOLTSHAUSER SYNDROME; Familial aplasia of the vermis. Identifiers: Orphanet 475, MedGen C5979921, MONDO:0018772.
Nephronophthisis. Also called: Juvenile Nephronophthisis. Identifiers: Orphanet 655, MedGen C0687120, MONDO:0019005, HP:0000090.
Meckel-Gruber syndrome. Also called: DYSENCEPHALIA SPLANCHNOCYSTICA; GRUBER SYNDROME; Dysencephalia splachnocystica. Identifiers: Orphanet 564, MedGen C0265215, MONDO:0018921.

Submission:

Labcorp Genetics (formerly Invitae), Labcorp
Classification: Uncertain significance for Joubert syndrome; Meckel-Gruber syndrome; Nephronophthisis. Last evaluated: 2025-01-18. Review status: criteria provided, single submitter. Criteria: Invitae Variant Classification Sherloc (09022015). Collection method: clinical testing. Allele origin: germline.
Comment: This sequence change replaces lysine, which is basic and polar, with glutamic acid, which is acidic and polar, at codon 1558 of the CEP290 protein (p.Lys1558Glu). This variant is not present in population databases (gnomAD no frequency). This variant has not been reported in the literature in individuals affected with CEP290-related conditions. Invitae Evidence Modeling of protein sequence and biophysical properties (such as structural, functional, and spatial information, amino acid conservation, physicochemical variation, residue mobility, and thermodynamic stability) indicates that this missense variant is expected to disrupt CEP290 protein function with a positive predictive value of 80%. In summary, the available evidence is currently insufficient to determine the role of this variant in disease. Therefore, it has been classified as a Variant of Uncertain Significance.